The following is an entry in ClinVar:

NM_020778.5(ALPK3):c.1073_1074del (p.Gln358fs)

Gene: ALPK3 (alpha kinase 3; plus strand). Cytogenetic location: 15q25.3.
Variant type: Deletion.
Coding change: c.1073_1074del on transcript NM_020778.5 (MANE Select); coding-DNA positions 1073 to 1074, 2 bases deleted (AG; older notation c.1073_1074delAG).
Protein change: p.Gln358fs; shifts the reading frame from glutamine 358.
Molecular consequence: frameshift variant.
Genome position (GRCh38, 1-based): chr15:84,840,352-84,840,353, AG deleted. VCF-style (leftmost placement, unchanged base first): chr15-84840351-CAG-C. GRCh37 (hg19) VCF-style: chr15-85383582-CAG-C.
Other names: short protein forms Q358fs.
Identifiers: ClinVar variation 1960227 (VCV001960227.5), dbSNP rs2505705946, ClinGen allele CA2580090122.

ClinVar aggregate classification (germline): Pathogenic (1 of 4 stars; one submission).

Submission:

Labcorp Genetics (formerly Invitae), Labcorp
Classification: Pathogenic. Last evaluated: 2025-11-18. Review status: criteria provided, single submitter. Criteria: Invitae Variant Classification Sherloc (09022015). Collection method: clinical testing. Allele origin: germline.
Comment: This sequence change creates a premature translational stop signal (p.Gln560Argfs*27) in the ALPK3 gene. It is expected to result in an absent or disrupted protein product. Loss-of-function variants in ALPK3 are known to be pathogenic (PMID: 21441111, 26846950, 27106955, 34263907). This variant is not present in population databases (gnomAD no frequency). This variant has not been reported in the literature in individuals affected with ALPK3-related conditions. ClinVar contains an entry for this variant (Variation ID: 1960227). For these reasons, this variant has been classified as Pathogenic.

Literature cited by the submitters: PubMed 21441111; PubMed 26846950; PubMed 27106955; PubMed 34263907.